The following is an entry in ClinVar:

ClinVar aggregate classification (germline): Uncertain significance. Review status: criteria provided, multiple submitters, no conflicts (2 of 4 stars). 3 submissions from 3 submitters: Uncertain significance (3). Last evaluated 2026-02-03.

Conditions:
Cardiovascular phenotype. Identifiers: MedGen CN230736.
Brugada syndrome 8 (BRGDA8). Identifiers: Orphanet 130, MedGen C2751083, MONDO:0013148, OMIM 613123.

Allele frequency attached by ClinVar (database versions not stated): gnomAD exomes 0.00001; gnomAD 0.00002; TOPMed 0.00002.
gnomAD v4.1: 24 of 1,579,872 alleles (0.0015%); highest among the groups gnomAD compares: Admixed American, 0.0018%; no homozygotes.

Submissions (3):

Labcorp Genetics (formerly Invitae), Labcorp
Classification: Uncertain significance for Brugada syndrome 8. Last evaluated: 2026-02-03. Review status: criteria provided, single submitter. Criteria: Invitae Variant Classification Sherloc (09022015). Collection method: clinical testing. Allele origin: germline.
Comment: This sequence change replaces proline, which is neutral and non-polar, with leucine, which is neutral and non-polar, at codon 1003 of the HCN4 protein (p.Pro1003Leu). The frequency data for this variant in the population databases is considered unreliable, as metrics indicate poor data quality at this position in the gnomAD database. This variant has not been reported in the literature in individuals affected with HCN4-related conditions. ClinVar contains an entry for this variant (Variation ID: 939968). Invitae Evidence Modeling of protein sequence and biophysical properties (such as structural, functional, and spatial information, amino acid conservation, physicochemical variation, residue mobility, and thermodynamic stability) indicates that this missense variant is not expected to disrupt HCN4 protein function with a negative predictive value of 95%. In summary, the available evidence is currently insufficient to determine the role of this variant in disease. Therefore, it has been classified as a Variant of Uncertain Significance.

Molecular Diagnostic Laboratory for Inherited Cardiovascular Disease, Montreal Heart Institute
Classification: Uncertain significance for Cardiovascular phenotype. Last evaluated: 2025-04-09. Review status: criteria provided, single submitter. Criteria: ACMG Guidelines, 2015. Collection method: clinical testing. Allele origin: germline. Affected: yes.

Ambry Genetics
Classification: Uncertain significance for Cardiovascular phenotype. Last evaluated: 2025-04-02. Review status: criteria provided, single submitter. Criteria: Ambry Variant Classification Scheme 2023. Collection method: clinical testing. Allele origin: germline.
Comment: The p.P1003L variant (also known as c.3008C>T), located in coding exon 8 of the HCN4 gene, results from a C to T substitution at nucleotide position 3008. The proline at codon 1003 is replaced by leucine, an amino acid with similar properties. This amino acid position is conserved. In addition, this alteration is predicted to be tolerated by in silico analysis. Based on the available evidence, the clinical significance of this variant remains unclear.

NM_005477.3(HCN4):c.3008C>T (p.Pro1003Leu)

Gene: HCN4 (hyperpolarization activated cyclic nucleotide gated potassium channel 4; minus strand). Cytogenetic location: 15q24.1.
Variant type: single nucleotide variant.
Coding change: c.3008C>T on transcript NM_005477.3 (MANE Select); coding-DNA position 3008, C replaced by T.
Protein change: p.Pro1003Leu; replaces proline 1003 with leucine.
Molecular consequence: missense variant.
Genome position (GRCh38, 1-based): chr15:73,323,085, G>A on the plus strand (C>T on the coding strand, the complement: HCN4 is on the minus strand). VCF-style: chr15-73323085-G-A. GRCh37 (hg19) VCF-style: chr15-73615426-G-A.
Other names: short protein forms P1003L.
Identifiers: ClinVar variation 939968 (VCV000939968.13), dbSNP rs1475883901, ClinGen allele CA393086462.